The following is an entry in ClinVar:

NM_000492.4(CFTR):c.2421A>G (p.Ile807Met)

Gene: CFTR (CF transmembrane conductance regulator; plus strand). Cytogenetic location: 7q31.2.
Variant type: single nucleotide variant.
Coding change: c.2421A>G on transcript NM_000492.4 (MANE Select); coding-DNA position 2421, A replaced by G.
Protein change: p.Ile807Met; replaces isoleucine 807 with methionine.
Molecular consequence: missense variant.
Genome position (GRCh38, 1-based): chr7:117,592,588, A>G. VCF-style: chr7-117592588-A-G. GRCh37 (hg19) VCF-style: chr7-117232642-A-G.
Other names: short protein forms I807M.
Identifiers: ClinVar variation 35842 (VCV000035842.79), dbSNP rs1800103, ClinGen allele CA260217.

ClinVar aggregate classification (germline): Conflicting classifications of pathogenicity. Review status: criteria provided, conflicting classifications (1 of 4 stars). 21 submissions from 21 submitters: Pathogenic (1); Uncertain significance (9); Benign (2); Likely benign (8). 1 of the submissions does not count toward it. Last evaluated 2026-05-15.

Conditions:
CFTR-related disorder (CFTR-RD). Also called: CFTR-related disorders; CFTR-related condition. Identifiers: MedGen C5924204, MONDO:7770004.
Congenital bilateral aplasia of vas deferens from CFTR mutation (CBAVD). Identifiers: Orphanet 48, MedGen C0403814, MONDO:0010178, OMIM 277180. Disease mechanism: loss of function.
Cystic fibrosis (CF). Also called: MUCOVISCIDOSIS. Identifiers: Orphanet 586, MedGen C0010674, MONDO:0009061, OMIM 219700. Disease mechanism: loss of function.
Bronchiectasis with or without elevated sweat chloride 1 (BESC1). Also called: Cystic Fibrosis-Like Syndrome. Identifiers: Orphanet 60033, MedGen C2749757, MONDO:0008887, OMIM 211400.
Hereditary pancreatitis (PCTT). Also called: Hereditary chronic pancreatitis; PRSS1-Related Hereditary Pancreatitis. Identifiers: Orphanet 676, MedGen C0238339, MONDO:0008185, OMIM 167800.

Allele frequency attached by ClinVar (database versions not stated): ESP Exome Variant Server 0.00015; 1000 Genomes Project 30x 0.00031; gnomAD 0.00034 and 0.00044; TOPMed 0.00043; ExAC 0.00072; gnomAD exomes 0.00077 and 0.00096.
gnomAD v4.1: 1,382 of 1,527,860 alleles (0.09%); highest among the groups gnomAD compares: South Asian, 0.58%; 7 homozygotes.

Submissions 1 to 5 of 21:

PreventionGenetics, part of Exact Sciences
Classification: Uncertain significance for CFTR-related condition. Last evaluated: 2026-05-15. Review status: criteria provided, single submitter. Criteria: ACMG Guidelines, 2015. Collection method: clinical testing. Allele origin: germline.
Comment: The CFTR c.2421A>G variant is predicted to result in the amino acid substitution p.Ile807Met. This variant has been detected in patients with chronic pancreatitis (Keiles and Kammesheidt. 2006. PubMed ID: 17003641; Pelletier et al. 2010. PubMed ID: 20460946; Schneider et al. 2011. PubMed ID: 20977904; Masson et al. 2013. PubMed ID: 23951356; LaRusch et al. 2014. PubMed ID: 25033378). Multiple patients with chronic pancreatitis carried other disease associated variants in CFTR and/or SPINK1 (Pelletier et al. 2010. PubMed ID: 20460946; Schneider et al. 2011. PubMed ID: 20977904; Masson et al. 2013. PubMed ID: 23951356). However, in some cases, the combination of trans-heterozygous CFTR and SPINK1 variants has been associated with an increased risk of pancreatitis (see for example Noone et al. 2001. PubMed ID: 11729110; Schneider et al. 2011. PubMed ID: 20977904; Masson et al. 2013. PubMed ID: 23951356). This variant has also been observed in patients with cystic fibrosis (Behar et al. 2017. PubMed ID: 28546993; Schrijver et al. 2016. PubMed ID: 26708955) and congenital bilateral absence of the vas deferens (Vankeerberghen et al. 1998. PubMed ID: 9736778). However, the c.2421A>G (p.Ile807Met) variant has been observed at the same frequency among controls compared to affected individuals (Tzetis et al. 2007. PubMed ID: 17489851; Makrythanasis et al. 2010. PubMed ID: 20722470). Functional studies indicated that this variant did not significantly affect chloride transport ability when compared with wild-type CFTR channels (Raraigh. 2018. PubMed ID: 29805046). However, bicarbonate permeability and conductance, which may be more important for the development of pancreatitis, was not assessed. This variant is reported in 0.52% of alleles in individuals of South Asian descent in gnomAD. At this time, the clinical significance of this variant is uncertain due to the absence of conclusive functional and genetic evidence.

Labcorp Genetics (formerly Invitae), Labcorp
Classification: Benign for Cystic fibrosis. Last evaluated: 2026-01-24. Review status: criteria provided, single submitter. Criteria: Invitae Variant Classification Sherloc (09022015). Collection method: clinical testing. Allele origin: germline.

CeGaT Center for Human Genetics Tuebingen
Classification: Likely benign. Last evaluated: 2025-12-01. Review status: criteria provided, single submitter. Criteria: CeGaT Center For Human Genetics Tuebingen Variant Classification Criteria Version 2. Collection method: clinical testing. Allele origin: germline. Affected: yes. Observed: 3 variant alleles.
Comment: CFTR: BS2

Women's Health and Genetics/Laboratory Corporation of America, LabCorp
Classification: Likely benign. Last evaluated: 2025-08-11. Review status: criteria provided, single submitter. Criteria: LabCorp Variant Classification Summary - May 2015. Collection method: clinical testing. Allele origin: germline.
Comment: Variant summary: CFTR c.2421A>G (p.Ile807Met) results in a conservative amino acid change located in the CFTR regulator domain (IPR025837) of the encoded protein sequence. Algorithms developed to predict the effect of missense changes on protein structure and function are either unavailable or do not agree on the potential impact of this missense change. The variant allele was found at a frequency of 0.00078 in 182610 control chromosomes in the gnomAD database, including 1 homozygote. This frequency is not significantly higher than estimated for a pathogenic variant in CFTR causing Chronic Pancreatitis Risk (0.00078 vs 0.0063), allowing no conclusion about variant significance. c.2421A>G, has been reported in the literature in individuals affected with Idiopathic Chronic Pancreatitis (ICP) (Masson_2013) and healthy controls with comparable allele frequencies (LaRusch_2014). Multiple ICP patients reported with this variant also carried another disease variant in either CFTR or the CPANC causative gene SPINK1 (Masson_2013, Pelletier _2010, and Schneider_2011), indicating that the contribution of this particular variant to the etiology of pancreatitis is unlikely. In addition, multiple studies list this variant as neutral variant with no clinical consequence. (Fanen_2014, Castellani_2008). In toto, these data do not allow any conclusion about variant significance in the context of CF, CFTR-RD or chronic pancreatitis. At least 3 independent publications reporting experimental evidence evaluating an impact on protein function were ascertained in the context of this evaluation. These results showed no damaging effect of this variant on CFTR maturation as well as chloride conductance (example, Vankeerberghen_1998, Raraigh_2018, Bihler_2024). The following publications have been ascertained in the context of this evaluation (PMID: 28603918, 14998948, 24631642, 18716917, 17003641, 19202204, 25033378, 20722470, 23951356, 25651269, 20460946, 29805046, 20977904, 26708955, 17489851, 9736778, 26277102, 19812525, 38388235). ClinVar contains an entry for this variant (Variation ID: 35842).Based on the evidence outlined above, the variant was classified as likely benign.

ARUP Laboratories, Molecular Genetics and Genomics, ARUP Laboratories
Classification: Uncertain significance. Last evaluated: 2025-07-17. Review status: criteria provided, single submitter. Criteria: ARUP Molecular Germline Variant Investigation Process 2024. Collection method: clinical testing. Allele origin: germline.
Comment: The CFTR c.2421A>G; p.Ile807Met variant (rs1800103, ClinVar Variation ID: 35842), is reported in the literature in the compound heterozygous state or in the heterozygous state with an unknown second allele in individuals affected with chronic pancreatitis (Danziger 2004, Keiles 2006, Masson 2013), cystic fibrosis (Behar 2017, Kolesar 2008, Schrijver 2016), and congenital bilateral absence of vas deferens (Vankeerberghen 1998). However, this variant has also been observed in equal numbers of control samples (LaRusch 2014, Makrythanasis 2010, Tzetis 2007). This variant is found in the South Asian population with an overall allele frequency of 0.52% (77/14800 alleles, including a single homozygote) in the Genome Aggregation Database (v2.1.1). Computational analyses predict that this variant is deleterious (REVEL: 0.738). However, functional studies show no defects in protein maturation or chloride channel activity (Bihler 2024, Raraigh 2018, Vankeerberghen 1998). Due to conflicting information, the clinical significance of the p.Ile807Met variant is uncertain at this time. References: Behar DM et al. Nationwide genetic analysis for molecularly unresolved cystic fibrosis patients in a multiethnic society: implications for preconception carrier screening. Mol Genet Genomic Med. 2017 Feb 19;5(3):223-236. PMID: 28546993. Bihler H et al. In vitro modulator responsiveness of 655 CFTR variants found in people with cystic fibrosis. J Cyst Fibros. 2024 Jul;23(4):664-675. PMID: 38388235. Danziger KL et al. Improved detection of cystic fibrosis mutations in infertility patients with DNA sequence analysis. Hum Reprod. 2004 Mar;19(3):540-6. PMID: 14998948. Keiles S et al. Identification of CFTR, PRSS1, and SPINK1 mutations in 381 patients with pancreatitis. Pancreas. 2006 Oct;33(3):221-7. PMID: 17003641. Kolesar P et al. Mutation analysis of the CFTR gene in Slovak cystic fibrosis patients by DHPLC and subsequent sequencing: identification of four novel mutations. Gen Physiol Biophys. 2008 Dec;27(4):299-305. PMID: 19202204. LaRusch J et al. Mechanisms of CFTR functional variants that impair regulated bicarbonate permeation and increase risk for pancreatitis but not for cystic fibrosis. PLoS Genet. 2014 Jul 17;10(7):e1004376. PMID: 25033378. Makrythanasis P et al. Cystic fibrosis conductance regulator, tumor necrosis factor, interferon alpha-10, interferon alpha-17, and interferon gamma genotyping as potential risk markers in pulmonary sarcoidosis pathogenesis in Greek patients. Genet Test Mol Biomarkers. 2010 Aug;14(4):577-84. PMID: 20722470. Masson E et al. A conservative assessment of the major genetic causes of idiopathic chronic pancreatitis: data from a comprehensive analysis of PRSS1, SPINK1, CTRC and CFTR genes in 253 young French patients. PLoS One. 2013 Aug 8;8(8):e73522. PMID: 23951356. Raraigh KS et al. Functional Assays Are Essential for Interpretation of Missense Variants Associated with Variable Expressivity. Am J Hum Genet. 2018 Jun 7;102(6):1062-1077. PMID: 29805046. Schrijver I et al. The Spectrum of CFTR Variants in Nonwhite Cystic Fibrosis Patients: Implications for Molecular Diagnostic Testing. J Mol Diagn. 2016 Jan;18(1):39-50. PMID: 26708955. Tzetis M et al. Contribution of the CFTR gene, the pancreatic secretory trypsin inhibitor gene (SPINK1) and the cationic trypsinogen gene (PRSS1) to the etiology of recurrent pancreatitis. Clin Genet. 2007 May;71(5):451-7. PMID: 17489851. Vankeerberghen A et al. Characterization of 19 disease-associated missense mutations in the regulatory domain of the cystic fibrosis transmembrane conductance regulator. Hum Mol Genet. 1998 Oct;7(11):1761-9. PMID: 9736778.